The following is an entry in ClinVar:

NM_001267550.2(TTN):c.103730A>T (p.Gln34577Leu)

Genes: TTN (titin; minus strand), TTN-AS1 (TTN antisense RNA 1; plus strand). Cytogenetic location: 2q31.2.
Variant type: single nucleotide variant.
Coding change: c.103730A>T on transcript NM_001267550.2 (MANE Select); coding-DNA position 103730, A replaced by T.
Protein change: p.Gln34577Leu; replaces glutamine 34577 with leucine.
Molecular consequence: missense variant.
Genome position (GRCh38, 1-based): chr2:178,532,885, T>A on the plus strand (A>T on the coding strand, the complement: TTN is on the minus strand). VCF-style: chr2-178532885-T-A. GRCh37 (hg19) VCF-style: chr2-179397612-T-A.
Other names: c.98807A>T, p.Gln32936Leu (NM_001256850.1); c.76535A>T, p.Gln25512Leu (NM_003319.4); c.96026A>T, p.Gln32009Leu (NM_133378.4); c.76910A>T, p.Gln25637Leu (NM_133432.3); c.77111A>T, p.Gln25704Leu (NM_133437.4); short protein forms Q32009L, Q32936L, Q34577L, Q25637L, Q25512L, Q25704L.
Identifiers: ClinVar variation 2025497 (VCV002025497.4), dbSNP rs727505009, ClinGen allele CA349413632.

ClinVar aggregate classification (germline): Uncertain significance (1 of 4 stars; one submission).

Conditions:
Dilated cardiomyopathy 1G (CMD1G). Identifiers: Orphanet 154, MedGen C1858763, MONDO:0011400, OMIM 604145.
Autosomal recessive limb-girdle muscular dystrophy type 2J (LGMDR10). Also called: Limb-girdle muscular dystrophy, type 2J; MUSCULAR DYSTROPHY, LIMB-GIRDLE, AUTOSOMAL RECESSIVE 10. Identifiers: Orphanet 140922, MedGen C1837342, MONDO:0012127, OMIM 608807.

Submission:

Labcorp Genetics (formerly Invitae), Labcorp
Classification: Uncertain significance for Dilated cardiomyopathy 1G; Autosomal recessive limb-girdle muscular dystrophy type 2J. Last evaluated: 2022-12-13. Review status: criteria provided, single submitter. Criteria: Invitae Variant Classification Sherloc (09022015). Collection method: clinical testing. Allele origin: germline.
Comment: In summary, the available evidence is currently insufficient to determine the role of this variant in disease. Therefore, it has been classified as a Variant of Uncertain Significance. This variant is located in the M band of TTN (PMID: 25589632). Variants in this region may be relevant for neuromuscular disorders, but have not been definitively shown to cause cardiomyopathy (PMID: 23975875). Experimental studies and prediction algorithms are not available or were not evaluated, and the functional significance of this variant is currently unknown. This variant has not been reported in the literature in individuals affected with TTN-related conditions. This variant is not present in population databases (gnomAD no frequency). This sequence change replaces glutamine, which is neutral and polar, with leucine, which is neutral and non-polar, at codon 34577 of the TTN protein (p.Gln34577Leu).

Literature cited by the submitters: PubMed 25589632; PubMed 23975875.